The following is an entry in ClinVar:

ClinVar aggregate classification (germline): Uncertain significance (1 of 4 stars; one submission).

Conditions:
Hereditary cancer-predisposing syndrome. Also called: Tumor predisposition; Neoplastic Syndromes, Hereditary; Hereditary neoplastic syndrome; Hereditary Cancer Syndrome. Identifiers: Orphanet 140162, MedGen C0027672, MeSH D009386, MONDO:0015356.

Submission:

Ambry Genetics
Classification: Uncertain significance for Hereditary cancer-predisposing syndrome. Last evaluated: 2025-08-27. Review status: criteria provided, single submitter. Criteria: Ambry Variant Classification Scheme 2023. Collection method: clinical testing. Allele origin: germline.
Comment: The p.Q37L variant (also known as c.110A>T), located in coding exon 2 of the MUTYH gene, results from an A to T substitution at nucleotide position 110. The glutamine at codon 37 is replaced by leucine, an amino acid with dissimilar properties. This amino acid position is conserved. In addition, this alteration is predicted to be tolerated by in silico analysis. Based on the available evidence, the clinical significance of this variant remains unclear.

NM_001048174.2(MUTYH):c.68A>T (p.Gln23Leu)

Gene: MUTYH (mutY DNA glycosylase; minus strand). Cytogenetic location: 1p34.1.
Variant type: single nucleotide variant.
Coding change: c.68A>T on transcript NM_001048174.2 (MANE Select); coding-DNA position 68, A replaced by T.
Protein change: p.Gln23Leu; replaces glutamine 23 with leucine.
Molecular consequence: missense variant. On other transcripts: 5 prime UTR variant (7), non-coding transcript variant (7).
Genome position (GRCh38, 1-based): chr1:45,334,438, T>A on the plus strand (A>T on the coding strand, the complement: MUTYH is on the minus strand). VCF-style: chr1-45334438-T-A. GRCh37 (hg19) VCF-style: chr1-45800110-T-A.
Other names: c.-140A>T (NM_001350651.2, NM_001407082.1); c.110A>T, p.Gln37Leu (NM_001407069.1, NM_001407073.1, NM_012222.3 and 2 more transcripts); c.68A>T, p.Gln23Leu (NM_001407070.1, NM_001407071.1, NM_001407072.1 and 15 more transcripts); c.-89A>T (NM_001407075.1); c.86A>T, p.Gln29Leu (NM_001407087.1); c.-145A>T (NM_001407091.1, NM_001293192.2, NM_001293196.2); c.-204A>T (NM_001350650.2); short protein forms Q37L, Q23L, Q29L.
Identifiers: ClinVar variation 4113024 (VCV004113024.1).